The following is an entry in ClinVar:

NM_000186.4(CFH):c.2036C>G (p.Thr679Arg)

Gene: CFH (complement factor H; plus strand). Cytogenetic location: 1q31.3.
Variant type: single nucleotide variant.
Coding change: c.2036C>G on transcript NM_000186.4 (MANE Select); coding-DNA position 2036, C replaced by G.
Protein change: p.Thr679Arg; replaces threonine 679 with arginine.
Molecular consequence: missense variant.
Genome position (GRCh38, 1-based): chr1:196,726,632, C>G. VCF-style: chr1-196726632-C-G. GRCh37 (hg19) VCF-style: chr1-196695762-C-G.
Other names: short protein forms T679R.
Identifiers: ClinVar variation 1997788 (VCV001997788.4), dbSNP rs1054618656, ClinGen allele CA343988265.

ClinVar aggregate classification (germline): Uncertain significance (1 of 4 stars; one submission).

Submission:

Labcorp Genetics (formerly Invitae), Labcorp
Classification: Uncertain significance. Last evaluated: 2022-05-21. Review status: criteria provided, single submitter. Criteria: Invitae Variant Classification Sherloc (09022015). Collection method: clinical testing. Allele origin: germline.
Comment: Algorithms developed to predict the effect of missense changes on protein structure and function are either unavailable or do not agree on the potential impact of this missense change (SIFT: "Deleterious"; PolyPhen-2: "Probably Damaging"; Align-GVGD: "Class C0"). This variant has not been reported in the literature in individuals affected with CFH-related conditions. This variant is not present in population databases (gnomAD no frequency). This sequence change replaces threonine, which is neutral and polar, with arginine, which is basic and polar, at codon 679 of the CFH protein (p.Thr679Arg). In summary, the available evidence is currently insufficient to determine the role of this variant in disease. Therefore, it has been classified as a Variant of Uncertain Significance.